The following is an entry in ClinVar:

ClinVar aggregate classification (germline): Pathogenic (1 of 4 stars; one submission).

Conditions:
Deficiency of adenosine deaminase 2. Also called: Polyarteritis nodosa, childhoood-onset; Adenosine Deaminase 2 Deficiency; VASCULITIS, AUTOINFLAMMATION, IMMUNODEFICIENCY, AND HEMATOLOGIC DEFECTS SYNDROME. Identifiers: Orphanet 404553, MedGen C3887654, MONDO:0014306, OMIM 615688, MONDO:0100317.

Submission:

Institute of Human Genetics, University of Leipzig Medical Center
Classification: Pathogenic for Deficiency of adenosine deaminase 2. Last evaluated: 2022-01-31. Review status: criteria provided, single submitter. Criteria: ACMG Guidelines, 2015. Collection method: clinical testing. Allele origin: germline. Affected: yes.
Comment: Criteria: PVS1_SUP, PM2_SUP, PM3_MOD, PP4_VSTR This variant was identified as compound heterozygous with NM_001282225.2:c.158del.

NM_001282225.2(ADA2):c.2T>A (p.Met1Lys)

Gene: ADA2 (adenosine deaminase 2; minus strand). Cytogenetic location: 22q11.1.
Variant type: single nucleotide variant.
Coding change: c.2T>A on transcript NM_001282225.2 (MANE Select); coding-DNA position 2, T replaced by A.
Protein change: p.Met1Lys; changes the start codon (methionine 1).
Molecular consequence: missense variant, initiator codon variant. On other transcripts: intron variant (3).
Genome position (GRCh38, 1-based): chr22:17,209,676, A>T on the plus strand (T>A on the coding strand, the complement: ADA2 is on the minus strand). VCF-style: chr22-17209676-A-T. GRCh37 (hg19) VCF-style: chr22-17690566-A-T.
Other names: c.2T>A, p.Met1Lys (NM_001282226.2); c.-47-78T>A (NM_001282227.2, NM_001282228.2); c.-38-2386T>A (NM_001282229.2); short protein forms M1K.
Identifiers: ClinVar variation 1285515 (VCV001285515.3), dbSNP rs745795188, ClinGen allele CA410231267.
Genomic context (GRCh38, chr22:17,209,676, plus strand): 5'-ATTGCCACAGCCAACAGCAAGAAGCACAGGGCTGGCCGCTCAGATGGGCCATCCACCAAC[A>T]TCGGGATGCCTGGACTAGGAAAGGGCTCAGATGGAGACTCCACGGGACTGCAAAGGAGAG-3'
Protein context (NP_001269154.1, residues 1-11): [Met1Lys]LVDGPSERPA